The following is an entry in ClinVar:

ClinVar aggregate classification (germline): Uncertain significance (1 of 4 stars; one submission).

gnomAD v4.1: 2 of 1,614,158 alleles (0.00012%); highest among the groups gnomAD compares: Non-Finnish European, 0.00017%; no homozygotes.

Submission:

Ambry Genetics
Classification: Uncertain significance. Last evaluated: 2024-03-30. Review status: criteria provided, single submitter. Criteria: Ambry Variant Classification Scheme 2023. Collection method: clinical testing. Allele origin: germline.
Comment: The p.E1061G variant (also known as c.3182A>G), located in coding exon 19 of the PKP4 gene, results from an A to G substitution at nucleotide position 3182. The glutamic acid at codon 1061 is replaced by glycine, an amino acid with similar properties. This amino acid position is conserved. In addition, this alteration is predicted to be tolerated by in silico analysis. Based on the available evidence, the clinical significance of this alteration remains unclear.

NM_003628.6(PKP4):c.3182A>G (p.Glu1061Gly)

Genes: PKP4 (plakophilin 4; plus strand), PKP4-AS1 (PKP4 antisense RNA 1; minus strand). Cytogenetic location: 2q24.1.
Variant type: single nucleotide variant.
Coding change: c.3182A>G on transcript NM_003628.6 (MANE Select); coding-DNA position 3182, A replaced by G.
Protein change: p.Glu1061Gly; replaces glutamic acid 1061 with glycine.
Molecular consequence: missense variant. On other transcripts: intron variant (3).
Genome position (GRCh38, 1-based): chr2:158,676,793, A>G. VCF-style: chr2-158676793-A-G. GRCh37 (hg19) VCF-style: chr2-159533305-A-G.
Other names: c.3179A>G, p.Glu1060Gly (NM_001304969.3, NM_001377219.1, NM_001377220.1 and 1 more transcripts); c.2153A>G, p.Glu718Gly (NM_001304970.3); c.3182A>G, p.Glu1061Gly (NM_001377218.1); c.3176A>G, p.Glu1059Gly (NM_001377222.1, NM_001377223.1); c.3173A>G, p.Glu1058Gly (NM_001377224.1); c.3128-1788A>G (NM_001005476.4, NM_001377225.1); c.3125-1788A>G (NM_001377226.1); short protein forms E718G, E1058G, E1059G, E1060G, E1061G.
Identifiers: ClinVar variation 3307128 (VCV003307128.1).